The following is an entry in ClinVar:

ClinVar aggregate classification (germline): Uncertain significance. Review status: criteria provided, multiple submitters, no conflicts (2 of 4 stars). 3 submissions from 3 submitters: Uncertain significance (3). Last evaluated 2025-06-25.

Conditions:
Familial thoracic aortic aneurysm and aortic dissection (TAAD). Also called: Thoracic aortic aneurysms and dissections. Identifiers: Orphanet 91387, MedGen C4707243, MONDO:0019625.
Hereditary cancer-predisposing syndrome. Also called: Tumor predisposition; Hereditary neoplastic syndrome; Neoplastic Syndromes, Hereditary; Hereditary Cancer Syndrome. Identifiers: Orphanet 140162, MedGen C0027672, MeSH D009386, MONDO:0015356.
Juvenile polyposis syndrome (JPS). Identifiers: Orphanet 2929, MedGen C0345893, MONDO:0017380, OMIM 174900.

Submissions (3):

Color Diagnostics, LLC DBA Color Health
Classification: Uncertain significance for Hereditary cancer-predisposing syndrome. Last evaluated: 2025-06-25. Review status: criteria provided, single submitter. Criteria: ACMG Guidelines, 2015. Collection method: clinical testing. Allele origin: germline.
Comment: This missense variant replaces tyrosine with cysteine at codon 114 of the SMAD4 protein. Computational prediction suggests that this variant may not impact protein structure and function. To our knowledge, functional studies have not been reported for this variant. This variant has not been reported in individuals affected with SMAD4-related disorders in the literature. This variant has not been identified in the general population by the Genome Aggregation Database (gnomAD). The available evidence is insufficient to determine the role of this variant in disease conclusively. Therefore, this variant is classified as a Variant of Uncertain Significance.

Labcorp Genetics (formerly Invitae), Labcorp
Classification: Uncertain significance for Juvenile polyposis syndrome. Last evaluated: 2023-08-27. Review status: criteria provided, single submitter. Criteria: Invitae Variant Classification Sherloc (09022015). Collection method: clinical testing. Allele origin: germline.
Comment: This sequence change replaces tyrosine, which is neutral and polar, with cysteine, which is neutral and slightly polar, at codon 114 of the SMAD4 protein (p.Tyr114Cys). This variant is not present in population databases (gnomAD no frequency). This variant has not been reported in the literature in individuals affected with SMAD4-related conditions. ClinVar contains an entry for this variant (Variation ID: 1504539). Advanced modeling of protein sequence and biophysical properties (such as structural, functional, and spatial information, amino acid conservation, physicochemical variation, residue mobility, and thermodynamic stability) performed at Invitae indicates that this missense variant is not expected to disrupt SMAD4 protein function. In summary, the available evidence is currently insufficient to determine the role of this variant in disease. Therefore, it has been classified as a Variant of Uncertain Significance.

Ambry Genetics
Classification: Uncertain significance for Hereditary cancer-predisposing syndrome; Familial thoracic aortic aneurysm and aortic dissection. Last evaluated: 2021-09-16. Review status: criteria provided, single submitter. Criteria: Ambry Variant Classification Scheme 2023. Collection method: clinical testing. Allele origin: germline.
Comment: The p.Y114C variant (also known as c.341A>G), located in coding exon 2 of the SMAD4 gene, results from an A to G substitution at nucleotide position 341. The tyrosine at codon 114 is replaced by cysteine, an amino acid with highly dissimilar properties. This amino acid position is well conserved in available vertebrate species. In addition, this alteration is predicted to be tolerated by in silico analysis. Since supporting evidence is limited at this time, the clinical significance of this alteration remains unclear.

NM_005359.6(SMAD4):c.341A>G (p.Tyr114Cys)

Gene: SMAD4 (SMAD family member 4; plus strand). Cytogenetic location: 18q21.2.
Variant type: single nucleotide variant.
Coding change: c.341A>G on transcript NM_005359.6 (MANE Select); coding-DNA position 341, A replaced by G.
Protein change: p.Tyr114Cys; replaces tyrosine 114 with cysteine.
Molecular consequence: missense variant.
Genome position (GRCh38, 1-based): chr18:51,048,777, A>G. VCF-style: chr18-51048777-A-G. GRCh37 (hg19) VCF-style: chr18-48575147-A-G.
Other names: short protein forms Y114C.
Identifiers: ClinVar variation 1504539 (VCV001504539.11), dbSNP rs2144405684, ClinGen allele CA402458428.